The following is an entry in ClinVar:

ClinVar aggregate classification (germline): Uncertain significance (1 of 4 stars; one submission).

Allele frequency attached by ClinVar (database versions not stated): gnomAD exomes below 0.00001 and 0.00001; ExAC 0.00001.
gnomAD v4.1: 12 of 1,614,104 alleles (0.00074%); highest among the groups gnomAD compares: Non-Finnish European, 0.00093%; no homozygotes.

Submission:

GeneDx
Classification: Uncertain significance. Last evaluated: 2017-01-11. Review status: criteria provided, single submitter. Criteria: GeneDx Variant Classification (06012015). Collection method: clinical testing. Allele origin: germline. Affected: yes.
Comment: The I549V variant in the SLC12A5 gene has not been reported previously as a pathogenic variant, nor as a benign variant, to our knowledge. The I549V variant was not observed in approximately 6,500 individuals of European and African American ancestry in the NHLBI Exome Sequencing Project, indicating it is not a common benign variant in these populations. The I549V variant is a conservative amino acid substitution, which is not likely to impact secondary protein structure as these residues share similar properties. This substitution occurs at a position that is conserved across species. In silico analysis is inconsistent in its predictions as to whether or not the variant is damaging to the protein structure/function. We interpret I549V as a variant of uncertain significance.

NM_020708.5(SLC12A5):c.1645A>G (p.Ile549Val)

Gene: SLC12A5 (solute carrier family 12 member 5; plus strand). Cytogenetic location: 20q13.12.
Variant type: single nucleotide variant.
Coding change: c.1645A>G on transcript NM_020708.5 (MANE Select); coding-DNA position 1645, A replaced by G.
Protein change: p.Ile549Val; replaces isoleucine 549 with valine.
Molecular consequence: missense variant.
Genome position (GRCh38, 1-based): chr20:46,045,953, A>G. VCF-style: chr20-46045953-A-G. GRCh37 (hg19) VCF-style: chr20-44674592-A-G.
Other names: c.1714A>G, p.Ile572Val (NM_001134771.2); short protein forms I549V, I572V.
Identifiers: ClinVar variation 392106 (VCV000392106.2), dbSNP rs762984846, ClinGen allele CA9887385.